The following is an entry in ClinVar:

NM_001370259.2(MEN1):c.391C>G (p.Arg131Gly)

Gene: MEN1 (menin 1; minus strand). Cytogenetic location: 11q13.1.
Variant type: single nucleotide variant.
Coding change: c.391C>G on transcript NM_001370259.2 (MANE Select); coding-DNA position 391, C replaced by G.
Protein change: p.Arg131Gly; replaces arginine 131 with glycine.
Molecular consequence: missense variant. On other transcripts: non-coding transcript variant (4).
Genome position (GRCh38, 1-based): chr11:64,809,719, G>C on the plus strand (C>G on the coding strand, the complement: MEN1 is on the minus strand). VCF-style: chr11-64809719-G-C. GRCh37 (hg19) VCF-style: chr11-64577191-G-C.
Other names: c.391C>G, p.Arg131Gly (NM_001407144.1, NM_000244.4, NM_001370251.2 and 20 more transcripts); short protein forms R131G.
Identifiers: ClinVar variation 4800430 (VCV004800430.1).

ClinVar aggregate classification (germline): Uncertain significance (1 of 4 stars; one submission).

Conditions:
Multiple endocrine neoplasia, type 1 (MEN1). Also called: MEA I; MEN I; WERMER SYNDROME; Endocrine adenomatosis multiple; MEN 1. Identifiers: Orphanet 652, MedGen C0025267, MeSH D018761, MONDO:0007540, OMIM 131100.

Submission:

Labcorp Genetics (formerly Invitae), Labcorp
Classification: Uncertain significance for Multiple endocrine neoplasia, type 1. Last evaluated: 2025-09-10. Review status: criteria provided, single submitter. Criteria: Invitae Variant Classification Sherloc (09022015). Collection method: clinical testing. Allele origin: germline.
Comment: This sequence change replaces arginine, which is basic and polar, with glycine, which is neutral and non-polar, at codon 131 of the MEN1 protein (p.Arg131Gly). This variant is not present in population databases (gnomAD no frequency). This variant has not been reported in the literature in individuals affected with MEN1-related conditions. Invitae Evidence Modeling of protein sequence and biophysical properties (such as structural, functional, and spatial information, amino acid conservation, physicochemical variation, residue mobility, and thermodynamic stability) indicates that this missense variant is expected to disrupt MEN1 protein function with a positive predictive value of 95%. In summary, the available evidence is currently insufficient to determine the role of this variant in disease. Therefore, it has been classified as a Variant of Uncertain Significance.